The following is an entry in ClinVar:

ClinVar aggregate classification (germline): Likely pathogenic (1 of 4 stars; one submission).

Conditions:
Gaucher disease. Also called: Acute cerebral Gaucher disease; Cerebroside lipidosis syndrome; Gaucher splenomegaly; Sphingolipidosis 1; Glucocerebrosidosis; Glucosylceramidase deficiency. Identifiers: Orphanet 355, MedGen C0017205, MONDO:0018150.

Submission:

Natera, Inc.
Classification: Likely pathogenic for Gaucher disease. Last evaluated: 2024-03-28. Review status: criteria provided, single submitter. Criteria: Natera Variant Classification Schema (03/2026). Collection method: clinical testing. Allele origin: germline.
Comment: The c.1527delT variant in GBA1 is a frameshift variant predicted to elongate the protein beyond the termination codon. This variant is expected to result in nonsense mediated decay, truncation, or a dysfunctional protein product. This variant is rare in the general population with a frequency below the threshold expected for the associated phenotype(s). Given the available evidence, this variant is classified as Likely Pathogenic.

NM_000157.4(GBA1):c.1527del (p.Thr510fs)

Genes: GBA1 (glucosylceramidase beta 1; minus strand), LOC106627981 (GBA recombination region; plus strand). Cytogenetic location: 1q22.
Variant type: Deletion.
Coding change: c.1527del on transcript NM_000157.4 (MANE Select); coding-DNA position 1527, one base deleted (T; older notation c.1527delT).
Protein change: p.Thr510fs; shifts the reading frame from threonine 510.
Molecular consequence: frameshift variant.
Genome position (GRCh38, 1-based): chr1:155,235,079, A deleted on the plus strand (T on the coding strand, the reverse complement: GBA1 is on the minus strand); the first of 2 consecutive A bases (chr1:155,235,079-155,235,080); deleting either gives the same sequence. VCF-style (leftmost placement, unchanged base first): chr1-155235078-TA-T. GRCh37 (hg19) VCF-style: chr1-155204869-TA-T.
Other names: c.1527del, p.Thr510fs (NM_001005741.3, NM_001005742.3); c.1266del, p.Thr423fs (NM_001171811.2); c.1380del, p.Thr461fs (NM_001171812.2); short protein forms T423fs, T461fs, T510fs.
Identifiers: ClinVar variation 4817736 (VCV004817736.1).